The following is an entry in ClinVar:

NM_001261826.3(AP3D1):c.1255A>C (p.Ile419Leu)

Gene: AP3D1 (adaptor related protein complex 3 subunit delta 1; minus strand). Cytogenetic location: 19p13.3.
Variant type: single nucleotide variant.
Coding change: c.1255A>C on transcript NM_001261826.3 (MANE Select); coding-DNA position 1255, A replaced by C.
Protein change: p.Ile419Leu; replaces isoleucine 419 with leucine.
Molecular consequence: missense variant.
Genome position (GRCh38, 1-based): chr19:2,121,088, T>G on the plus strand (A>C on the coding strand, the complement: AP3D1 is on the minus strand). VCF-style: chr19-2121088-T-G. GRCh37 (hg19) VCF-style: chr19-2121087-T-G.
Other names: c.1255A>C, p.Ile419Leu (NM_001374799.1, NM_003938.8); short protein forms I419L.
Identifiers: ClinVar variation 3349750 (VCV003349750.2).

ClinVar aggregate classification (germline): Uncertain significance. Review status: criteria provided, single submitter (1 of 4 stars). 2 submissions from 2 submitters: Uncertain significance (1). 1 of the submissions does not count toward it. Last evaluated 2025-05-14.

Conditions:
AP3D1-related disorder. Also called: AP3D1-related condition.

Submissions (2):

Labcorp Genetics (formerly Invitae), Labcorp
Classification: Uncertain significance. Last evaluated: 2025-05-14. Review status: criteria provided, single submitter. Criteria: Invitae Variant Classification Sherloc (09022015). Collection method: clinical testing. Allele origin: germline.
Comment: This sequence change replaces isoleucine, which is neutral and non-polar, with leucine, which is neutral and non-polar, at codon 419 of the AP3D1 protein (p.Ile419Leu). This variant is not present in population databases (gnomAD no frequency). This variant has not been reported in the literature in individuals affected with AP3D1-related conditions. ClinVar contains an entry for this variant (Variation ID: 3349750). An algorithm developed to predict the effect of missense changes on protein structure and function (PolyPhen-2) suggests that this variant is likely to be tolerated. In summary, the available evidence is currently insufficient to determine the role of this variant in disease. Therefore, it has been classified as a Variant of Uncertain Significance.

PreventionGenetics, part of Exact Sciences
Classification: Uncertain significance for AP3D1-related condition. Last evaluated: 2024-04-26. Review status: no assertion criteria provided. Collection method: clinical testing. Allele origin: germline. Not counted in ClinVar's aggregate classification.
Comment: The AP3D1 c.1255A>C variant is predicted to result in the amino acid substitution p.Ile419Leu. To our knowledge, this variant has not been reported in the literature or in a large population database, indicating this variant is rare. At this time, the clinical significance of this variant is uncertain due to the absence of conclusive functional and genetic evidence.